The following is an entry in ClinVar:

ClinVar aggregate classification (germline): Uncertain significance. Review status: criteria provided, single submitter (1 of 4 stars). 2 submissions from 1 submitter: Uncertain significance (2). Last evaluated 2022-10-05.

Conditions:
Inborn genetic diseases. Identifiers: MedGen C0950123, MeSH D030342.
Hereditary cancer-predisposing syndrome. Also called: Hereditary Cancer Syndrome; Hereditary neoplastic syndrome; Neoplastic Syndromes, Hereditary; Tumor predisposition. Identifiers: Orphanet 140162, MedGen C0027672, MeSH D009386, MONDO:0015356.

Allele frequency attached by ClinVar (database versions not stated): 1000 Genomes Project 30x 0.00016; 1000 Genomes Project 0.00020.

Submissions (2):

Ambry Genetics
Classification: Uncertain significance for Hereditary cancer-predisposing syndrome. Last evaluated: 2022-10-05. Review status: criteria provided, single submitter. Criteria: Ambry General Variant Classification Scheme_2022. Collection method: clinical testing. Allele origin: germline. Observed: 1 variant allele.
Comment: The p.A509T variant (also known as c.1525G>A), located in coding exon 8 of the PALLD gene, results from a G to A substitution at nucleotide position 1525. The alanine at codon 509 is replaced by threonine, an amino acid with similar properties. This amino acid position is conserved. In addition, this alteration is predicted to be tolerated by in silico analysis. Since supporting evidence is limited at this time, the clinical significance of this alteration remains unclear.

Ambry Genetics
Classification: Uncertain significance for Inborn genetic diseases. Last evaluated: 2022-05-27. Review status: criteria provided, single submitter. Criteria: Ambry General Variant Classification Scheme_2022. Collection method: clinical testing. Allele origin: germline. Observed: 1 variant allele.

NM_001166108.2(PALLD):c.1525G>A (p.Ala509Thr)

Gene: PALLD (palladin, cytoskeletal associated protein; plus strand). Cytogenetic location: 4q32.3.
Variant type: single nucleotide variant.
Coding change: c.1525G>A on transcript NM_001166108.2 (MANE Select); coding-DNA position 1525, G replaced by A.
Protein change: p.Ala509Thr; replaces alanine 509 with threonine.
Molecular consequence: missense variant.
Genome position (GRCh38, 1-based): chr4:168,709,051, G>A. VCF-style: chr4-168709051-G-A. GRCh37 (hg19) VCF-style: chr4-169630202-G-A.
Other names: c.1525G>A (NM_001166108.1); c.379G>A, p.Ala127Thr (NM_001166109.2); c.1525G>A, p.Ala509Thr (NM_016081.4); short protein forms A127T, A509T.
Identifiers: ClinVar variation 1774518 (VCV001774518.3), dbSNP rs145026144, ClinGen allele CA3135670.